The following is an entry in ClinVar:

ClinVar aggregate classification (germline): Likely benign (1 of 4 stars; one submission).

Conditions:
PTCH1-related disorder. Also called: PTCH1-related disorders; PTCH1-related condition.

Submission:

PreventionGenetics, part of Exact Sciences
Classification: Likely benign for PTCH1-related condition. Last evaluated: 2025-06-22. Review status: criteria provided, single submitter. Criteria: ACMG Guidelines, 2015. Collection method: clinical testing. Allele origin: germline.
Comment: This variant is classified as likely benign based on ACMG/AMP sequence variant interpretation guidelines (Richards et al. 2015 PMID: 25741868, with internal and published modifications).

NM_001083603.3(PTCH1):c.75A>C (p.Pro25=)

Gene: PTCH1 (patched 1; minus strand). Cytogenetic location: 9q22.32.
Variant type: single nucleotide variant.
Coding change: c.75A>C on transcript NM_001083603.3 (MANE Plus Clinical); coding-DNA position 75, A replaced by C.
Protein change: p.Pro25=; no amino-acid change (proline 25 retained).
Molecular consequence: synonymous variant. On other transcripts: 5 prime UTR variant (2).
Genome position (GRCh38, 1-based): chr9:95,516,746, T>G on the plus strand (A>C on the coding strand, the complement: PTCH1 is on the minus strand). VCF-style: chr9-95516746-T-G. GRCh37 (hg19) VCF-style: chr9-98279028-T-G.
Other names: c.-275A>C (NM_001083602.3, NM_001354919.2).
Identifiers: ClinVar variation 4981057 (VCV004981057.1).